The following is an entry in ClinVar:

NM_001330078.2(NRXN1):c.4197G>A (p.Glu1399=)

Gene: NRXN1 (neurexin 1; minus strand). Cytogenetic location: 2p16.3.
Variant type: single nucleotide variant.
Coding change: c.4197G>A on transcript NM_001330078.2 (MANE Select); coding-DNA position 4197, G replaced by A.
Protein change: p.Glu1399=; no amino-acid change (glutamic acid 1399 retained).
Molecular consequence: synonymous variant.
Genome position (GRCh38, 1-based): chr2:49,943,723, C>T on the plus strand (G>A on the coding strand, the complement: NRXN1 is on the minus strand). VCF-style: chr2-49943723-C-T. GRCh37 (hg19) VCF-style: chr2-50170861-C-T.
Other names: c.4173G>A, p.Glu1391= (NM_001330082.2, NM_001330077.2); c.4041G>A, p.Glu1347= (NM_001330083.2); c.4131G>A, p.Glu1377= (NM_001330084.2); c.4170G>A, p.Glu1390= (NM_001330085.2); c.4197G>A, p.Glu1399= (NM_001330086.2); c.3996G>A, p.Glu1332= (NM_001330087.2, NM_001330096.2); c.4026G>A, p.Glu1342= (NM_001330088.2); c.1092G>A, p.Glu364= (NM_001330091.2, NM_001330092.2); and 7 more.
Identifiers: ClinVar variation 723221 (VCV000723221.14), dbSNP rs370837898, ClinGen allele CA1654255.
Genomic context (GRCh38, chr2:49,943,723, plus strand): 5'-TTACAGTAAAGCCAAGGAAGTAAGAAAAAAAGTTGACTAACCTAACCCACCTGAGCTCGG[C>T]TCACAGGGGTCAATGTCCTCATCATCGCTGGGACACTCTGCTGAGGCCACAAGGATGTCA-3'
Protein context (NP_001317007.1, residues 1389-1409): PSDDEDIDPC[Glu1399=]PSSGGLANPT

ClinVar aggregate classification (germline): Conflicting classifications of pathogenicity. Review status: criteria provided, conflicting classifications (1 of 4 stars). 2 submissions from 2 submitters: Uncertain significance (1); Likely benign (1). Last evaluated 2025-02-24.

Conditions:
Pitt-Hopkins-like syndrome 2 (PTHSL2). Identifiers: Orphanet 221150, Orphanet 600663, MedGen C3280479, MONDO:0013690, OMIM 614325.

Allele frequency attached by ClinVar (database versions not stated): gnomAD exomes below 0.00001 and 0.00001; ExAC 0.00002; gnomAD 0.00004 and 0.00005; ESP Exome Variant Server 0.00008; TOPMed 0.00010.
gnomAD v4.1: 13 of 1,611,828 alleles (0.00081%); highest among the groups gnomAD compares: African/African-American, 0.015%; no homozygotes.

Submissions (2):

Labcorp Genetics (formerly Invitae), Labcorp
Classification: Likely benign for Pitt-Hopkins-like syndrome 2. Last evaluated: 2025-02-24. Review status: criteria provided, single submitter. Criteria: Invitae Variant Classification Sherloc (09022015). Collection method: clinical testing. Allele origin: germline.

GeneDx
Classification: Uncertain significance. Last evaluated: 2021-10-19. Review status: criteria provided, single submitter. Criteria: GeneDx Variant Classification Process June 2021. Collection method: clinical testing. Allele origin: germline. Affected: yes.
Comment: In silico analysis supports that this variant does not alter splicing; Has not been previously published as pathogenic or benign to our knowledge